The following is an entry in ClinVar:

ClinVar aggregate classification (germline): Uncertain significance. Review status: criteria provided, multiple submitters, no conflicts (2 of 4 stars). 2 submissions from 2 submitters: Uncertain significance (2). Last evaluated 2024-02-01.

Conditions:
Dilated cardiomyopathy 1G (CMD1G). Identifiers: Orphanet 154, MedGen C1858763, MONDO:0011400, OMIM 604145.
Autosomal recessive limb-girdle muscular dystrophy type 2J (LGMDR10). Also called: Limb-girdle muscular dystrophy, type 2J; MUSCULAR DYSTROPHY, LIMB-GIRDLE, AUTOSOMAL RECESSIVE 10. Identifiers: Orphanet 140922, MedGen C1837342, MONDO:0012127, OMIM 608807.

Allele frequency attached by ClinVar (database versions not stated): ExAC 0.00001; gnomAD exomes 0.00001; TOPMed 0.00001.
gnomAD v4.1: 10 of 1,611,448 alleles (0.00062%); highest among the groups gnomAD compares: Admixed American, 0.0033%; no homozygotes.

Submissions (2):

CeGaT Center for Human Genetics Tuebingen
Classification: Uncertain significance. Last evaluated: 2024-02-01. Review status: criteria provided, single submitter. Criteria: CeGaT Center For Human Genetics Tuebingen Variant Classification Criteria Version 2. Collection method: clinical testing. Allele origin: germline. Affected: yes. Observed: 1 variant allele.
Comment: TTN: PM2

Labcorp Genetics (formerly Invitae), Labcorp
Classification: Uncertain significance for Dilated cardiomyopathy 1G; Autosomal recessive limb-girdle muscular dystrophy type 2J. Last evaluated: 2017-03-02. Review status: criteria provided, single submitter. Criteria: Invitae Variant Classification Sherloc (09022015). Collection method: clinical testing. Allele origin: germline.

NM_001267550.2(TTN):c.68248C>T (p.Pro22750Ser)

Genes: TTN (titin; minus strand), TTN-AS1 (TTN antisense RNA 1; plus strand), LOC126806423 (CDK7 strongly-dependent group 2 enhancer GRCh37_chr2:179443309-179444508; plus strand). Cytogenetic location: 2q31.2.
Variant type: single nucleotide variant.
Coding change: c.68248C>T on transcript NM_001267550.2 (MANE Select); coding-DNA position 68248, C replaced by T.
Protein change: p.Pro22750Ser; replaces proline 22750 with serine.
Molecular consequence: missense variant.
Genome position (GRCh38, 1-based): chr2:178,578,692, G>A on the plus strand (C>T on the coding strand, the complement: TTN is on the minus strand). VCF-style: chr2-178578692-G-A. GRCh37 (hg19) VCF-style: chr2-179443419-G-A.
Other names: c.63325C>T, p.Pro21109Ser (NM_001256850.1); c.41053C>T, p.Pro13685Ser (NM_003319.4); c.60544C>T, p.Pro20182Ser (NM_133378.4); c.41428C>T, p.Pro13810Ser (NM_133432.3); c.41629C>T, p.Pro13877Ser (NM_133437.4); short protein forms P22750S, P21109S, P13810S, P20182S, P13685S, P13877S.
Identifiers: ClinVar variation 467410 (VCV000467410.25), dbSNP rs764562311, ClinGen allele CA1991149.